The following is an entry in ClinVar:

NM_198525.3(KIF7):c.1706G>A (p.Gly569Glu)

Gene: KIF7 (kinesin family member 7; minus strand). Cytogenetic location: 15q26.1.
Variant type: single nucleotide variant.
Coding change: c.1706G>A on transcript NM_198525.3 (MANE Select); coding-DNA position 1706, G replaced by A.
Protein change: p.Gly569Glu; replaces glycine 569 with glutamic acid.
Molecular consequence: missense variant.
Genome position (GRCh38, 1-based): chr15:89,646,912, C>T on the plus strand (G>A on the coding strand, the complement: KIF7 is on the minus strand). VCF-style: chr15-89646912-C-T. GRCh37 (hg19) VCF-style: chr15-90190143-C-T.
Other names: short protein forms G569E.
Identifiers: ClinVar variation 1027930 (VCV001027930.1), dbSNP rs1964023213, ClinGen allele CA393767415.
Genomic context (GRCh38, chr15:89,646,912, plus strand): 5'-ACTTCATCTCCAGGGAGGCAGGCAGGCGGCACCATGCCCAGCACATGGGCGTGGGCACCC[C>T]CCAGGGGGGCTGTATGAGGTCGAGGCACAAAGGACCCGGGAGGCAGGCCATTCAGGAGCC-3'
Protein context (NP_940927.2, residues 559-579): FVPRPHTAPL[Gly569Glu]GAHAHVLGMV

ClinVar aggregate classification (germline): Uncertain significance (1 of 4 stars; one submission).

Conditions:
Multiple epiphyseal dysplasia, Al-Gazali type. Also called: Macrocephaly with multiple epiphyseal dysplasia and distinctive facies. Identifiers: Orphanet 166024, MedGen C1846722, MONDO:0011778, OMIM 607131.

Submission:

Baylor Genetics
Classification: Uncertain significance for Multiple epiphyseal dysplasia, Al-Gazali type. Last evaluated: 2020-01-16. Review status: criteria provided, single submitter. Criteria: ACMG Guidelines, 2015. Collection method: clinical testing. Allele origin: unknown. Affected: yes.
Comment: This variant was determined to be of uncertain significance according to ACMG Guidelines, 2015 [PMID:25741868].